The following is an entry in ClinVar:

ClinVar aggregate classification (germline): Conflicting classifications of pathogenicity. Review status: criteria provided, conflicting classifications (1 of 4 stars). 5 submissions from 4 submitters: Uncertain significance (3); Likely benign (1). 1 of the submissions does not count toward it. Last evaluated 2025-08-29.

Conditions:
Inborn genetic diseases. Identifiers: MedGen C0950123, MeSH D030342.
NOD2-related disorder. Also called: NOD2-related condition.
Blau syndrome (BLAUS). Also called: JABS SYNDROME; ARTHROCUTANEOUVEAL GRANULOMATOSIS; GRANULOMATOSIS, FAMILIAL JUVENILE SYSTEMIC; GRANULOMATOSIS, FAMILIAL, BLAU TYPE; GRANULOMATOUS INFLAMMATORY ARTHRITIS, DERMATITIS, AND UVEITIS, FAMILIAL. Identifiers: Orphanet 90340, MedGen C5201146, MONDO:0008523, OMIM 186580.
Regional enteritis. Also called: Enteritis, Granulomatous. Identifiers: MedGen C0678202, MeSH D003424.
Inflammatory bowel disease 1 (IBD1). Also called: Inflammatory bowel disease 1, Crohn disease; INFLAMMATORY BOWEL DISEASE (CROHN DISEASE) 1. Identifiers: MedGen CN260071, MONDO:0009960, OMIM 266600.

Allele frequency attached by ClinVar (database versions not stated): gnomAD exomes 0.00001 and 0.00002; ExAC 0.00002; gnomAD 0.00008; TOPMed 0.00017.

Submissions (5):

Labcorp Genetics (formerly Invitae), Labcorp
Classification: Uncertain significance for Regional enteritis; Blau syndrome. Last evaluated: 2025-08-29. Review status: criteria provided, single submitter. Criteria: Invitae Variant Classification Sherloc (09022015). Collection method: clinical testing. Allele origin: germline.
Comment: This sequence change replaces phenylalanine, which is neutral and non-polar, with cysteine, which is neutral and slightly polar, at codon 609 of the NOD2 protein (p.Phe609Cys). This variant is present in population databases (rs777798807, gnomAD 0.003%). This variant has not been reported in the literature in individuals affected with NOD2-related conditions. ClinVar contains an entry for this variant (Variation ID: 649658). Invitae Evidence Modeling of protein sequence and biophysical properties (such as structural, functional, and spatial information, amino acid conservation, physicochemical variation, residue mobility, and thermodynamic stability) has been performed for this missense variant. However, the output from this modeling did not meet the statistical confidence thresholds required to predict the impact of this variant on NOD2 protein function. In summary, the available evidence is currently insufficient to determine the role of this variant in disease. Therefore, it has been classified as a Variant of Uncertain Significance.

Ambry Genetics
Classification: Uncertain significance for Inborn genetic diseases. Last evaluated: 2023-12-27. Review status: criteria provided, single submitter. Criteria: Ambry Variant Classification Scheme 2023. Collection method: clinical testing. Allele origin: germline.

Illumina Laboratory Services, Illumina
Classification: Uncertain significance for Inflammatory bowel disease 1. Last evaluated: 2017-04-28. Review status: criteria provided, single submitter. Criteria: ICSL Variant Classification Criteria 13 December 2019. Collection method: clinical testing. Allele origin: germline.

Illumina Laboratory Services, Illumina
Classification: Likely benign for Blau syndrome. Last evaluated: 2017-04-28. Review status: criteria provided, single submitter. Criteria: ICSL Variant Classification Criteria 13 December 2019. Collection method: clinical testing. Allele origin: germline.
Comment: This variant was observed as part of a predisposition screen in an ostensibly healthy population. A literature search was performed for the gene, cDNA change, and amino acid change (where applicable). No publications were found based on this search. Allele frequency data from public databases allowed determination this variant is unlikely to cause disease. Therefore, this variant is classified as likely benign.

PreventionGenetics, part of Exact Sciences
Classification: Uncertain significance for NOD2-related condition. Last evaluated: 2024-08-30. Review status: no assertion criteria provided. Collection method: clinical testing. Allele origin: germline. Not counted in ClinVar's aggregate classification.
Comment: The NOD2 c.1826T>G variant is predicted to result in the amino acid substitution p.Phe609Cys. To our knowledge, this variant has not been reported in the literature. This variant is reported in 0.0029% of alleles in individuals of Latino descent in gnomAD. At this time, the clinical significance of this variant is uncertain due to the absence of conclusive functional and genetic evidence.

NM_001370466.1(NOD2):c.1745T>G (p.Phe582Cys)

Gene: NOD2 (nucleotide binding oligomerization domain containing 2; plus strand). Cytogenetic location: 16q12.1.
Variant type: single nucleotide variant.
Coding change: c.1745T>G on transcript NM_001370466.1 (MANE Select); coding-DNA position 1745, T replaced by G.
Protein change: p.Phe582Cys; replaces phenylalanine 582 with cysteine.
Molecular consequence: missense variant. On other transcripts: non-coding transcript variant (1).
Genome position (GRCh38, 1-based): chr16:50,711,737, T>G. VCF-style: chr16-50711737-T-G. GRCh37 (hg19) VCF-style: chr16-50745648-T-G.
Other names: c.1745T>G, p.Phe582Cys (NM_001293557.2); c.1826T>G, p.Phe609Cys (NM_022162.3); short protein forms F582C, F609C.
Identifiers: ClinVar variation 649658 (VCV000649658.17), dbSNP rs777798807, ClinGen allele CA8051631.